The following is an entry in ClinVar:

ClinVar aggregate classification (germline): Uncertain significance (1 of 4 stars; one submission).

Conditions:
Inborn genetic diseases. Identifiers: MedGen C0950123, MeSH D030342.

Submission:

Ambry Genetics
Classification: Uncertain significance for Inborn genetic diseases. Last evaluated: 2025-10-25. Review status: criteria provided, single submitter. Criteria: Ambry Variant Classification Scheme 2023. Collection method: clinical testing. Allele origin: germline.
Comment: The p.A805S variant (also known as c.2413G>T), located in coding exon 14 of the FANCM gene, results from a G to T substitution at nucleotide position 2413. The alanine at codon 805 is replaced by serine, an amino acid with similar properties. This amino acid position is conserved. In addition, this alteration is predicted to be tolerated by in silico analysis. Based on the available evidence, the clinical significance of this variant remains unclear.

NM_020937.4(FANCM):c.2413G>T (p.Ala805Ser)

Gene: FANCM (FA complementation group M; plus strand). Cytogenetic location: 14q21.2.
Variant type: single nucleotide variant.
Coding change: c.2413G>T on transcript NM_020937.4 (MANE Select); coding-DNA position 2413, G replaced by T.
Protein change: p.Ala805Ser; replaces alanine 805 with serine.
Molecular consequence: missense variant.
Genome position (GRCh38, 1-based): chr14:45,175,167, G>T. VCF-style: chr14-45175167-G-T. GRCh37 (hg19) VCF-style: chr14-45644370-G-T.
Other names: c.2335G>T, p.Ala779Ser (NM_001308133.2); short protein forms A805S, A779S.
Identifiers: ClinVar variation 4619521 (VCV004619521.1).